The following is an entry in ClinVar:

ClinVar aggregate classification (germline): Uncertain significance. Review status: criteria provided, multiple submitters, no conflicts (2 of 4 stars). 3 submissions from 3 submitters: Uncertain significance (3). Last evaluated 2022-11-11.

Conditions:
Ehlers-Danlos syndrome, type 4 (EDSVASC). Also called: Ehlers-Danlos syndrome vascular type; Ehlers Danlos syndrome, ecchymotic type; Ehlers Danlos syndrome, arterial type; Ehlers Danlos syndrome, Sack-Barabas type; Ehlers-Danlos Syndrome Type IV. Identifiers: Orphanet 286, MedGen C0268338, MONDO:0017314, OMIM 130050.
Polymicrogyria with or without vascular-type Ehlers-Danlos syndrome. Identifiers: Orphanet 636941, MedGen C5193040, MONDO:0032688, OMIM 618343.
Inborn genetic diseases. Identifiers: MedGen C0950123, MeSH D030342.

Allele frequency attached by ClinVar (database versions not stated): TOPMed 0.00001; gnomAD 0.00003.
gnomAD v4.1: 8 of 1,613,732 alleles (0.0005%); highest among the groups gnomAD compares: African/African-American, 0.008%; no homozygotes.

Submissions (3):

Labcorp Genetics (formerly Invitae), Labcorp
Classification: Uncertain significance for Ehlers-Danlos syndrome, type 4. Last evaluated: 2022-11-11. Review status: criteria provided, single submitter. Criteria: Invitae Variant Classification Sherloc (09022015). Collection method: clinical testing. Allele origin: germline.
Comment: In summary, the available evidence is currently insufficient to determine the role of this variant in disease. Therefore, it has been classified as a Variant of Uncertain Significance. Advanced modeling of protein sequence and biophysical properties (such as structural, functional, and spatial information, amino acid conservation, physicochemical variation, residue mobility, and thermodynamic stability) performed at Invitae indicates that this missense variant is not expected to disrupt COL3A1 protein function. ClinVar contains an entry for this variant (Variation ID: 521182). This variant has not been reported in the literature in individuals affected with COL3A1-related conditions. This variant is present in population databases (no rsID available, gnomAD 0.03%). This sequence change replaces proline, which is neutral and non-polar, with serine, which is neutral and polar, at codon 1178 of the COL3A1 protein (p.Pro1178Ser).

Fulgent Genetics
Classification: Uncertain significance for Ehlers-Danlos syndrome, type 4; Polymicrogyria with or without vascular-type Ehlers-Danlos syndrome. Last evaluated: 2021-07-20. Review status: criteria provided, single submitter. Criteria: ACMG Guidelines, 2015. Collection method: clinical testing. Allele origin: unknown.

Ambry Genetics
Classification: Uncertain significance for Inborn genetic diseases. Last evaluated: 2016-07-19. Review status: criteria provided, single submitter. Criteria: Ambry exome assertion method (8-5-2015). Collection method: clinical testing. Allele origin: germline. Affected: yes. Observed: 1 variant allele.

NM_000090.4(COL3A1):c.3532C>T (p.Pro1178Ser)

Gene: COL3A1 (collagen type III alpha 1 chain; plus strand). Cytogenetic location: 2q32.2.
Variant type: single nucleotide variant.
Coding change: c.3532C>T on transcript NM_000090.4 (MANE Select); coding-DNA position 3532, C replaced by T.
Protein change: p.Pro1178Ser; replaces proline 1178 with serine.
Molecular consequence: missense variant.
Genome position (GRCh38, 1-based): chr2:189,008,930, C>T. VCF-style: chr2-189008930-C-T. GRCh37 (hg19) VCF-style: chr2-189873656-C-T.
Other names: short protein forms P1178S.
Identifiers: ClinVar variation 521182 (VCV000521182.14), dbSNP rs759565407, ClinGen allele CA62562669.